The following is an entry in ClinVar:

NM_000531.6(OTC):c.605A>C (p.His202Pro)

Gene: OTC (ornithine transcarbamylase; plus strand). Cytogenetic location: Xp11.4.
Variant type: single nucleotide variant.
Coding change: c.605A>C on transcript NM_000531.6 (MANE Select); coding-DNA position 605, A replaced by C.
Protein change: p.His202Pro; replaces histidine 202 with proline.
Molecular consequence: missense variant.
Genome position (GRCh38, 1-based): chrX:38,403,682, A>C. VCF-style: chrX-38403682-A-C. GRCh37 (hg19) VCF-style: chrX-38262935-A-C.
Other names: short protein forms H202P.
Identifiers: ClinVar variation 97268 (VCV000097268.2), dbSNP rs72558409, ClinGen allele CA224706.

ClinVar aggregate classification (germline): Pathogenic (0 of 4 stars; one submission).

Submission:

GenMed Metabolism Lab
Classification: Pathogenic. Review status: no assertion criteria provided. Collection method: not provided. Allele origin: unknown.
ClinVar note: Converted during submission from pathogenic to Pathogenic.